The following is an entry in ClinVar:

NM_001142966.3(GREB1L):c.1907_1910dup (p.Pro638fs)

Gene: GREB1L (GREB1 like retinoic acid receptor coactivator; plus strand). Cytogenetic location: 18q11.1.
Variant type: Duplication.
Coding change: c.1907_1910dup on transcript NM_001142966.3 (MANE Select); coding-DNA positions 1907 to 1910, 4 bases duplicated (TTAC; older notation c.1907_1910dupTTAC).
Protein change: p.Pro638fs; shifts the reading frame from proline 638.
Molecular consequence: frameshift variant.
Genome position (GRCh38, 1-based): chr18:21,452,140-21,452,143, TTAC duplicated. VCF-style (leftmost placement, unchanged base first): chr18-21452139-G-GTTAC. GRCh37 (hg19) VCF-style: chr18-19032100-G-GTTAC.
Other names: c.2036_2039dup, p.Pro681fs (NM_001410867.1); c.1580_1583dup, p.Pro529fs (NM_001410868.1); short protein forms P529fs, P638fs, P681fs.
Identifiers: ClinVar variation 3061184 (VCV003061184.2), dbSNP rs2511464204, ClinGen allele CA2740093971.

ClinVar aggregate classification (germline): Pathogenic (0 of 4 stars; one submission).

Conditions:
GREB1L-related disorder. Also called: GREB1L-related condition.

Submission:

PreventionGenetics, part of Exact Sciences
Classification: Pathogenic for GREB1L-related condition. Last evaluated: 2024-02-14. Review status: no assertion criteria provided. Collection method: clinical testing. Allele origin: germline.
Comment: The GREB1L c.1907_1910dupTTAC variant is predicted to result in a frameshift and premature protein termination (p.Pro638Tyrfs*8). To our knowledge, this variant has not been reported in the literature or in a large population database, indicating this variant is rare. Frameshift variants in GREB1L are expected to be pathogenic. This variant is interpreted as pathogenic.